The following is an entry in ClinVar:

ClinVar aggregate classification (germline): Uncertain significance (1 of 4 stars; one submission).

Conditions:
Fanconi anemia (FA). Also called: Fanconi's anemia. Identifiers: Orphanet 84, MedGen C0015625, MeSH D005199, MONDO:0019391.

Submission:

Labcorp Genetics (formerly Invitae), Labcorp
Classification: Uncertain significance for Fanconi anemia. Last evaluated: 2024-09-12. Review status: criteria provided, single submitter. Criteria: Invitae Variant Classification Sherloc (09022015). Collection method: clinical testing. Allele origin: germline.
Comment: This variant, c.648_650del, results in the deletion of 1 amino acid(s) of the FANCF protein (p.Arg217del), but otherwise preserves the integrity of the reading frame. This variant is not present in population databases (gnomAD no frequency). This variant has been observed in individual(s) with aplastic anemia (PMID: 37216690). Experimental studies and prediction algorithms are not available or were not evaluated, and the functional significance of this variant is currently unknown. In summary, the available evidence is currently insufficient to determine the role of this variant in disease. Therefore, it has been classified as a Variant of Uncertain Significance.

Literature cited by the submitters: PubMed 37216690.

NM_022725.4(FANCF):c.645TCG[1] (p.Arg217del)

Gene: FANCF (FA complementation group F; minus strand). Cytogenetic location: 11p14.3.
Variant type: Microsatellite.
Coding change: c.645TCG[1] on transcript NM_022725.4 (MANE Select); one copy of the 3-base unit TCG starting at c.645; the reference has two copies in a row; one copy, 3 bases deleted.
Protein change: p.Arg217del; deletes arginine 217.
Genome position (GRCh38, 1-based): chr11:22,625,161-22,625,163, CGA deleted on the plus strand (TCG on the coding strand, the reverse complement: FANCF is on the minus strand); deleting any 3 consecutive bases within chr11:22,625,161-22,625,166 gives the same sequence; the position shown is the placement nearest the transcript's 3' end. VCF-style (leftmost placement, unchanged base first): chr11-22625160-CCGA-C. GRCh37 (hg19) VCF-style: chr11-22646706-CCGA-C.
Other names: short protein forms R217del.
Identifiers: ClinVar variation 3703580 (VCV003703580.2).
Genomic context (GRCh38, chr11:22,625,160, plus strand): 5'-TAGCACTTGGCTCCCCTCTCCAGGTGATTTGTGGATGCCGGGTTCCAACTCTTCTTGGGG[CCGA>C]CGAGACAAAGGCGGCTGCAACAGCGCCACCGCTATCACCTTCAGGAAGTTGTTCTGAGGC-3'